The following is an entry in ClinVar:

ClinVar aggregate classification (germline): Uncertain significance. Review status: criteria provided, multiple submitters, no conflicts (2 of 4 stars). 2 submissions from 2 submitters: Uncertain significance (2). Last evaluated 2025-07-30.

Conditions:
Pierpont syndrome (PRPTS). Identifiers: Orphanet 487825, MedGen C1865644, MONDO:0011213, OMIM 602342.
Inborn genetic diseases. Identifiers: MedGen C0950123, MeSH D030342.

Submissions (2):

Labcorp Genetics (formerly Invitae), Labcorp
Classification: Uncertain significance for Pierpont syndrome. Last evaluated: 2025-07-30. Review status: criteria provided, single submitter. Criteria: Invitae Variant Classification Sherloc (09022015). Collection method: clinical testing. Allele origin: germline.
Comment: This sequence change replaces serine, which is neutral and polar, with threonine, which is neutral and polar, at codon 181 of the TBL1XR1 protein (p.Ser181Thr). This variant is present in population databases (no rsID available, gnomAD 0.0009%). This variant has not been reported in the literature in individuals affected with TBL1XR1-related conditions. ClinVar contains an entry for this variant (Variation ID: 2536597). Invitae Evidence Modeling of protein sequence and biophysical properties (such as structural, functional, and spatial information, amino acid conservation, physicochemical variation, residue mobility, and thermodynamic stability) indicates that this missense variant is not expected to disrupt TBL1XR1 protein function with a negative predictive value of 95%. In summary, the available evidence is currently insufficient to determine the role of this variant in disease. Therefore, it has been classified as a Variant of Uncertain Significance.

Ambry Genetics
Classification: Uncertain significance for Inborn genetic diseases. Last evaluated: 2023-04-12. Review status: criteria provided, single submitter. Criteria: Ambry Variant Classification Scheme 2023. Collection method: clinical testing. Allele origin: germline.

NM_024665.7(TBL1XR1):c.542G>C (p.Ser181Thr)

Gene: TBL1XR1 (TBL1X/Y related 1; minus strand). Cytogenetic location: 3q26.32.
Variant type: single nucleotide variant.
Coding change: c.542G>C on transcript NM_024665.7 (MANE Select); coding-DNA position 542, G replaced by C.
Protein change: p.Ser181Thr; replaces serine 181 with threonine.
Molecular consequence: missense variant.
Genome position (GRCh38, 1-based): chr3:177,050,496, C>G on the plus strand (G>C on the coding strand, the complement: TBL1XR1 is on the minus strand). VCF-style: chr3-177050496-C-G. GRCh37 (hg19) VCF-style: chr3-176768284-C-G.
Other names: c.542G>C, p.Ser181Thr (NM_001321193.3, NM_001321194.3, NM_001374327.1 and 2 more transcripts); c.281G>C, p.Ser94Thr (NM_001321195.3, NM_001374330.1); short protein forms S181T, S94T.
Identifiers: ClinVar variation 2536597 (VCV002536597.3), dbSNP rs1367919718, ClinGen allele CA355552751.